The following is an entry in ClinVar:

NM_032536.4(NTNG2):c.742A>C (p.Thr248Pro)

Gene: NTNG2 (netrin G2; plus strand). Cytogenetic location: 9q34.13.
Variant type: single nucleotide variant.
Coding change: c.742A>C on transcript NM_032536.4 (MANE Select); coding-DNA position 742, A replaced by C.
Protein change: p.Thr248Pro; replaces threonine 248 with proline.
Molecular consequence: missense variant.
Genome position (GRCh38, 1-based): chr9:132,198,494, A>C. VCF-style: chr9-132198494-A-C. GRCh37 (hg19) VCF-style: chr9-135073881-A-C.
Other names: short protein forms T248P.
Identifiers: ClinVar variation 3363421 (VCV003363421.1).

ClinVar aggregate classification (germline): Uncertain significance (1 of 4 stars; one submission).

Submission:

GeneDx
Classification: Uncertain significance. Last evaluated: 2023-10-23. Review status: criteria provided, single submitter. Criteria: GeneDx Variant Classification Process June 2021. Collection method: clinical testing. Allele origin: germline. Affected: yes.
Comment: Not observed at significant frequency in large population cohorts (gnomAD); In silico analysis supports that this missense variant has a deleterious effect on protein structure/function; Has not been previously published as pathogenic or benign to our knowledge